The following is an entry in ClinVar:

ClinVar aggregate classification (germline): Uncertain significance (1 of 4 stars; one submission).

Conditions:
Ehlers-Danlos syndrome, classic type, 1 (EDSCL1). Also called: EHLERS-DANLOS SYNDROME, GRAVIS TYPE; EHLERS-DANLOS SYNDROME, SEVERE CLASSIC TYPE; Ehlers-Danlos syndrome, type 1; Ehlers-Danlos Syndrome, Classic Type, COL5A1-Related; EDS I. Identifiers: MedGen C0268335, MONDO:0019567, OMIM 130000.
Osteogenesis imperfecta type I (OI1). Also called: OI, TYPE I; OSTEOGENESIS IMPERFECTA TARDA; OSTEOGENESIS IMPERFECTA WITH BLUE SCLERAE; Osteogenesis imperfecta type 1; Lobstein's Disease; Lobstein disease. Identifiers: Orphanet 216796, Orphanet 666, MedGen C0023931, MONDO:0008146, OMIM 166200. Disease mechanism: loss of function.

Submission:

Labcorp Genetics (formerly Invitae), Labcorp
Classification: Uncertain significance for Osteogenesis imperfecta type I; Ehlers-Danlos syndrome, classic type, 1. Last evaluated: 2025-06-23. Review status: criteria provided, single submitter. Criteria: Invitae Variant Classification Sherloc (09022015). Collection method: clinical testing. Allele origin: germline.
Comment: This sequence change replaces asparagine, which is neutral and polar, with lysine, which is basic and polar, at codon 384 of the COL1A2 protein (p.Asn384Lys). This variant is present in population databases (no rsID available, gnomAD 0.01%). This variant has not been reported in the literature in individuals affected with COL1A2-related conditions. Invitae Evidence Modeling of protein sequence and biophysical properties (such as structural, functional, and spatial information, amino acid conservation, physicochemical variation, residue mobility, and thermodynamic stability) indicates that this missense variant is not expected to disrupt COL1A2 protein function with a negative predictive value of 95%. In summary, the available evidence is currently insufficient to determine the role of this variant in disease. Therefore, it has been classified as a Variant of Uncertain Significance.

NM_000089.4(COL1A2):c.1152T>G (p.Asn384Lys)

Gene: COL1A2 (collagen type I alpha 2 chain; plus strand). Cytogenetic location: 7q21.3.
Variant type: single nucleotide variant.
Coding change: c.1152T>G on transcript NM_000089.4 (MANE Select); coding-DNA position 1152, T replaced by G.
Protein change: p.Asn384Lys; replaces asparagine 384 with lysine.
Molecular consequence: missense variant.
Genome position (GRCh38, 1-based): chr7:94,410,482, T>G. VCF-style: chr7-94410482-T-G. GRCh37 (hg19) VCF-style: chr7-94039794-T-G.
Other names: short protein forms N384K.
Identifiers: ClinVar variation 4788853 (VCV004788853.1).